The following is an entry in ClinVar:

ClinVar aggregate classification (germline): Conflicting classifications of pathogenicity. Review status: criteria provided, conflicting classifications (1 of 4 stars). 7 submissions from 7 submitters: Uncertain significance (3); Likely benign (3). 1 of the submissions does not count toward it. Last evaluated 2026-09-04.

Conditions:
USH2A-related disorder. Also called: USH2A-related condition; USH2A-related disorders. Identifiers: MedGen CN239332.
Usher syndrome type 2A. Also called: RETINAL DISEASE IN USHER SYNDROME TYPE IIA, MODIFIER OF; USHER SYNDROME, TYPE IIA. Identifiers: Orphanet 231178, Orphanet 886, MedGen C1848634, MONDO:0010169, OMIM 276901.

Allele frequency attached by ClinVar (database versions not stated): gnomAD 0.00015; 1000 Genomes Project 30x 0.00016; gnomAD exomes 0.00018 and 0.00024; 1000 Genomes Project 0.00020; TOPMed 0.00021; ExAC 0.00022; ESP Exome Variant Server 0.00046.
gnomAD v4.1: 291 of 1,613,746 alleles (0.018%); highest among the groups gnomAD compares: Middle Eastern, 0.41%; no homozygotes.

Submissions (7):

PreventionGenetics, part of Exact Sciences
Classification: Uncertain significance for USH2A-related condition. Last evaluated: 2026-09-04. Review status: criteria provided, single submitter. Criteria: ACMG Guidelines, 2015. Collection method: clinical testing. Allele origin: germline.
Comment: The USH2A c.9008T>C variant is predicted to result in the amino acid substitution p.Val3003Ala. This variant was reported as a variant of uncertain significance in an individual with an inherited retinal dystrophy (Table S12, Diñeiro et al. 2020. PubMed ID: 32483926). It was also reported as a presumably neutral missense variant in a study of individuals with Usher syndrome (Bonnet et al. 2011. PubMed ID: 21569298). This variant is reported in 0.031% of alleles in individuals of European (Non-Finnish) descent in gnomAD. At this time, the clinical significance of this variant is uncertain due to the absence of conclusive functional and genetic evidence.

Labcorp Genetics (formerly Invitae), Labcorp
Classification: Likely benign. Last evaluated: 2026-01-27. Review status: criteria provided, single submitter. Criteria: Invitae Variant Classification Sherloc (09022015). Collection method: clinical testing. Allele origin: germline.

CeGaT Center for Human Genetics Tuebingen
Classification: Uncertain significance. Last evaluated: 2026-01-01. Review status: criteria provided, single submitter. Criteria: CeGaT Center For Human Genetics Tuebingen Variant Classification Criteria Version 2. Collection method: clinical testing. Allele origin: germline. Affected: yes. Observed: 1 variant allele.
Comment: USH2A: PM2, PM3:Supporting, BP4

Blueprint Genetics
Classification: Likely benign. Last evaluated: 2024-11-07. Review status: criteria provided, single submitter. Criteria: ACMG Guidelines, 2015. Collection method: clinical testing. Allele origin: germline.

Genome-Nilou Lab
Classification: Likely benign for Usher syndrome type 2A. Last evaluated: 2021-05-18. Review status: criteria provided, single submitter. Criteria: ACMG Guidelines, 2015. Collection method: clinical testing. Allele origin: germline. Affected: no.

Eurofins Ntd Llc (ga)
Classification: Uncertain significance. Last evaluated: 2016-01-28. Review status: criteria provided, single submitter. Criteria: EGL Classification Definitions 2015. Collection method: clinical testing. Allele origin: germline. Observed: 1 variant allele, 1 heterozygote.

Natera, Inc.
Classification: Likely benign for Usher syndrome type 2A. Last evaluated: 2020-09-16. Review status: no assertion criteria provided. Collection method: clinical testing. Allele origin: germline. Not counted in ClinVar's aggregate classification.

NM_206933.4(USH2A):c.9008T>C (p.Val3003Ala)

Gene: USH2A (usherin; minus strand). Cytogenetic location: 1q41.
Variant type: single nucleotide variant.
Coding change: c.9008T>C on transcript NM_206933.4 (MANE Select); coding-DNA position 9008, T replaced by C.
Protein change: p.Val3003Ala; replaces valine 3003 with alanine.
Molecular consequence: missense variant.
Genome position (GRCh38, 1-based): chr1:215,845,871, A>G on the plus strand (T>C on the coding strand, the complement: USH2A is on the minus strand). VCF-style: chr1-215845871-A-G. GRCh37 (hg19) VCF-style: chr1-216019213-A-G.
Other names: short protein forms V3003A.
Identifiers: ClinVar variation 286068 (VCV000286068.24), dbSNP rs138574386, ClinGen allele CA1394438.